The following is an entry in ClinVar:

ClinVar aggregate classification (germline): Likely benign (0 of 4 stars; one submission).

Conditions:
NAXD-related disorder. Also called: NAXD-related condition.

Allele frequency attached by ClinVar (database versions not stated): 1000 Genomes Project 30x 0.00016.
gnomAD v4.1: 54 of 1,612,204 alleles (0.0033%); highest among the groups gnomAD compares: Non-Finnish European, 0.0033%; no homozygotes.

Submission:

PreventionGenetics, part of Exact Sciences
Classification: Likely benign for NAXD-related condition. Last evaluated: 2019-08-13. Review status: no assertion criteria provided. Collection method: clinical testing. Allele origin: germline.
Comment: This variant is classified as likely benign based on ACMG/AMP sequence variant interpretation guidelines (Richards et al. 2015 PMID: 25741868, with internal and published modifications).

NM_001242882.2(NAXD):c.591C>T (p.Asp197=)

Gene: NAXD (NAD(P)HX dehydratase; plus strand). Cytogenetic location: 13q34.
Variant type: single nucleotide variant.
Coding change: c.591C>T on transcript NM_001242882.2 (MANE Select); coding-DNA position 591, C replaced by T.
Protein change: p.Asp197=; no amino-acid change (aspartic acid 197 retained).
Molecular consequence: synonymous variant. On other transcripts: non-coding transcript variant (2).
Genome position (GRCh38, 1-based): chr13:110,634,770, C>T. VCF-style: chr13-110634770-C-T. GRCh37 (hg19) VCF-style: chr13-111287117-C-T.
Other names: c.645C>T, p.Asp215= (NM_001242881.2, NM_018210.4); c.315C>T, p.Asp105= (NM_001242883.2).
Identifiers: ClinVar variation 3052579 (VCV003052579.2), dbSNP rs559466039, ClinGen allele CA7051273.